The following is an entry in ClinVar:

ClinVar aggregate classification (germline): Uncertain significance (1 of 4 stars; one submission).

Conditions:
Oculofaciocardiodental syndrome (MCOPS2). Identifiers: Orphanet 2712, MedGen C1846265, MONDO:0010261, OMIM 300166.

Submission:

Labcorp Genetics (formerly Invitae), Labcorp
Classification: Uncertain significance for Oculofaciocardiodental syndrome. Last evaluated: 2022-01-05. Review status: criteria provided, single submitter. Criteria: Invitae Variant Classification Sherloc (09022015). Collection method: clinical testing. Allele origin: germline.
Comment: This sequence change replaces aspartic acid, which is acidic and polar, with valine, which is neutral and non-polar, at codon 1040 of the BCOR protein (p.Asp1040Val). In summary, the available evidence is currently insufficient to determine the role of this variant in disease. Therefore, it has been classified as a Variant of Uncertain Significance. Algorithms developed to predict the effect of missense changes on protein structure and function (SIFT, PolyPhen-2, Align-GVGD) all suggest that this variant is likely to be disruptive. This variant has not been reported in the literature in individuals affected with BCOR-related conditions. This variant is not present in population databases (gnomAD no frequency).

NM_001123385.2(BCOR):c.3119A>T (p.Asp1040Val)

Gene: BCOR (BCL6 corepressor; minus strand). Cytogenetic location: Xp11.4.
Variant type: single nucleotide variant.
Coding change: c.3119A>T on transcript NM_001123385.2 (MANE Select); coding-DNA position 3119, A replaced by T.
Protein change: p.Asp1040Val; replaces aspartic acid 1040 with valine.
Molecular consequence: missense variant.
Genome position (GRCh38, 1-based): chrX:40,071,092, T>A on the plus strand (A>T on the coding strand, the complement: BCOR is on the minus strand). VCF-style: chrX-40071092-T-A. GRCh37 (hg19) VCF-style: chrX-39930345-T-A.
Other names: c.3119A>T, p.Asp1040Val (NM_001123383.2, NM_017745.6); c.3065A>T, p.Asp1022Val (NM_001123384.2); short protein forms D1022V, D1040V.
Identifiers: ClinVar variation 2075259 (VCV002075259.4), dbSNP rs2147175167, ClinGen allele CA412740689.
Genomic context (GRCh38, chrX:40,071,092, plus strand): 5'-TTGTCCTGATTTCCTTTCAACCTTTCCCAGTCGGCTGGGCTGAATTTGCACATCTCGGAG[T>A]CTTTGGTTGCTGGGTGGCCACCTTCTCTTTCTTTCATCTCCAACTCTGAGAAGCGCATCA-3'
Protein context (NP_001116857.1, residues 1030-1050): EREGGHPATK[Asp1040Val]SEMCKFSPAD